The following is an entry in ClinVar:

NM_025144.4(ALPK1):c.3025C>T (p.Arg1009Ter)

Gene: ALPK1 (alpha kinase 1; plus strand). Cytogenetic location: 4q25.
Variant type: single nucleotide variant.
Coding change: c.3025C>T on transcript NM_025144.4 (MANE Select); coding-DNA position 3025, C replaced by T.
Protein change: p.Arg1009Ter; replaces arginine 1009 with a stop codon.
Molecular consequence: nonsense.
Genome position (GRCh38, 1-based): chr4:112,432,572, C>T. VCF-style: chr4-112432572-C-T. GRCh37 (hg19) VCF-style: chr4-113353728-C-T.
Other names: c.3025C>T, p.Arg1009Ter (NM_001102406.2); c.2791C>T, p.Arg931Ter (NM_001253884.2); short protein forms R1009*, R931*.
Identifiers: ClinVar variation 2969111 (VCV002969111.3), dbSNP rs180741351, ClinGen allele CA3047044.

ClinVar aggregate classification (germline): Uncertain significance (1 of 4 stars; one submission).

Allele frequency attached by ClinVar (database versions not stated): ESP Exome Variant Server 0.00008.
gnomAD v4.1: 16 of 1,611,768 alleles (0.00099%); highest among the groups gnomAD compares: Middle Eastern, 0.016%; no homozygotes.

Submission:

Labcorp Genetics (formerly Invitae), Labcorp
Classification: Uncertain significance. Last evaluated: 2025-04-01. Review status: criteria provided, single submitter. Criteria: Invitae Variant Classification Sherloc (09022015). Collection method: clinical testing. Allele origin: germline.
Comment: This sequence change creates a premature translational stop signal (p.Arg1009*) in the ALPK1 gene. It is expected to result in an absent or disrupted protein product. However, the current clinical and genetic evidence is not sufficient to establish whether loss-of-function variants in ALPK1 cause disease. The frequency data for this variant in the population databases is considered unreliable, as metrics indicate poor data quality at this position in the gnomAD database. This variant has not been reported in the literature in individuals affected with ALPK1-related conditions. ClinVar contains an entry for this variant (Variation ID: 2969111). Experimental studies and prediction algorithms are not available or were not evaluated, and the functional significance of this variant is currently unknown. Algorithms developed to predict the effect of sequence changes on RNA splicing suggest that this variant may disrupt the consensus splice site. In summary, the available evidence is currently insufficient to determine the role of this variant in disease. Therefore, it has been classified as a Variant of Uncertain Significance.